The following is an entry in ClinVar:

ClinVar aggregate classification (germline): Uncertain significance. Review status: criteria provided, multiple submitters, no conflicts (2 of 4 stars). 2 submissions from 2 submitters: Uncertain significance (2). Last evaluated 2025-05-12.

Allele frequency attached by ClinVar (database versions not stated): gnomAD exomes 0.00002 and 0.00003; TOPMed 0.00002; ExAC 0.00002; gnomAD 0.00002.
gnomAD v4.1: 32 of 1,613,920 alleles (0.002%); highest among the groups gnomAD compares: Middle Eastern, 0.15%; 1 homozygote.

Submissions (2):

Dasa
Classification: Uncertain significance. Last evaluated: 2025-05-12. Review status: criteria provided, single submitter. Criteria: DASA Assertion Criteria. Collection method: clinical testing. Allele origin: germline.
Comment: NM_000122.2(ERCC3):c.657C>T (p.Ala219=) is a synonymous variant predicted not to alter the encoded amino acid sequence. This variant is rare in population databases. Computational prediction algorithms are consistent with a benign effect. The currently available literature and clinical evidence are not sufficient to establish a definitive association between this variant and the reported condition. Therefore, this variant is classified as a variant of uncertain significance.

Labcorp Genetics (formerly Invitae), Labcorp
Classification: Uncertain significance. Last evaluated: 2022-08-15. Review status: criteria provided, single submitter. Criteria: Invitae Variant Classification Sherloc (09022015). Collection method: clinical testing. Allele origin: germline.
Comment: This sequence change affects codon 219 of the ERCC3 mRNA. It is a 'silent' change, meaning that it does not change the encoded amino acid sequence of the ERCC3 protein. It affects a nucleotide within the consensus splice site. This variant is present in population databases (rs771683698, gnomAD 0.01%). This variant has not been reported in the literature in individuals affected with ERCC3-related conditions. ClinVar contains an entry for this variant (Variation ID: 1008945). Algorithms developed to predict the effect of sequence changes on RNA splicing suggest that this variant is not likely to affect RNA splicing. In summary, the available evidence is currently insufficient to determine the role of this variant in disease. Therefore, it has been classified as a Variant of Uncertain Significance.

NM_000122.2(ERCC3):c.657C>T (p.Ala219=)

Gene: ERCC3 (ERCC excision repair 3, TFIIH core complex helicase subunit; minus strand). Cytogenetic location: 2q14.3.
Variant type: single nucleotide variant.
Coding change: c.657C>T on transcript NM_000122.2 (MANE Select); coding-DNA position 657, C replaced by T.
Protein change: p.Ala219=; no amino-acid change (alanine 219 retained).
Molecular consequence: synonymous variant.
Genome position (GRCh38, 1-based): chr2:127,289,689, G>A on the plus strand (C>T on the coding strand, the complement: ERCC3 is on the minus strand). VCF-style: chr2-127289689-G-A. GRCh37 (hg19) VCF-style: chr2-128047265-G-A.
Other names: c.465C>T, p.Ala155= (NM_001303416.2, NM_001303418.2).
Identifiers: ClinVar variation 1008945 (VCV001008945.8), dbSNP rs771683698, ClinGen allele CA1858487.